The following is an entry in ClinVar:

ClinVar aggregate classification (germline): Conflicting classifications of pathogenicity. Review status: criteria provided, conflicting classifications (1 of 4 stars). 4 submissions from 4 submitters: Uncertain significance (1); Likely benign (2). 1 of the submissions does not count toward it. Last evaluated 2025-09-23.

Conditions:
ARHGAP31-related disorder. Also called: ARHGAP31-related condition.
Inborn genetic diseases. Identifiers: MedGen C0950123, MeSH D030342.

Allele frequency attached by ClinVar (database versions not stated): ExAC 0.00027; gnomAD 0.00032; ESP Exome Variant Server 0.00041; gnomAD exomes 0.00045 and 0.00027; TOPMed 0.00028.
gnomAD v4.1: 705 of 1,614,040 alleles (0.044%); highest among the groups gnomAD compares: Non-Finnish European, 0.056%; 1 homozygote.

Submissions (4):

Ambry Genetics
Classification: Likely benign for Inborn genetic diseases. Last evaluated: 2025-09-23. Review status: criteria provided, single submitter. Criteria: Ambry Variant Classification Scheme 2023. Collection method: clinical testing. Allele origin: germline.

Labcorp Genetics (formerly Invitae), Labcorp
Classification: Uncertain significance. Last evaluated: 2024-10-22. Review status: criteria provided, single submitter. Criteria: Invitae Variant Classification Sherloc (09022015). Collection method: clinical testing. Allele origin: germline.
Comment: This sequence change replaces valine, which is neutral and non-polar, with alanine, which is neutral and non-polar, at codon 771 of the ARHGAP31 protein (p.Val771Ala). This variant is present in population databases (rs374149626, gnomAD 0.06%), and has an allele count higher than expected for a pathogenic variant. This variant has not been reported in the literature in individuals affected with ARHGAP31-related conditions. ClinVar contains an entry for this variant (Variation ID: 235358). An algorithm developed to predict the effect of missense changes on protein structure and function outputs the following: PolyPhen-2: "Benign". The alanine amino acid residue is found in multiple mammalian species, which suggests that this missense change does not adversely affect protein function. In summary, the available evidence is currently insufficient to determine the role of this variant in disease. Therefore, it has been classified as a Variant of Uncertain Significance.

Center for Pediatric Genomic Medicine, Children's Mercy Hospital and Clinics
Classification: Likely benign. Last evaluated: 2016-02-11. Review status: criteria provided, single submitter. Criteria: ACMG Guidelines, 2015. Collection method: clinical testing. Allele origin: germline.
ClinVar note: Converted during submission from Likely Benign to Likely benign.

PreventionGenetics, part of Exact Sciences
Classification: Likely benign for ARHGAP31-related condition. Last evaluated: 2022-01-27. Review status: no assertion criteria provided. Collection method: clinical testing. Allele origin: germline. Not counted in ClinVar's aggregate classification.
Comment: This variant is classified as likely benign based on ACMG/AMP sequence variant interpretation guidelines (Richards et al. 2015 PMID: 25741868, with internal and published modifications).

NM_020754.4(ARHGAP31):c.2312T>C (p.Val771Ala)

Gene: ARHGAP31 (Rho GTPase activating protein 31; plus strand). Cytogenetic location: 3q13.33.
Variant type: single nucleotide variant.
Coding change: c.2312T>C on transcript NM_020754.4 (MANE Select); coding-DNA position 2312, T replaced by C.
Protein change: p.Val771Ala; replaces valine 771 with alanine.
Molecular consequence: missense variant.
Genome position (GRCh38, 1-based): chr3:119,414,241, T>C. VCF-style: chr3-119414241-T-C. GRCh37 (hg19) VCF-style: chr3-119133088-T-C.
Other names: c.2312T>C (NM_020754.3, NM_020754.2); short protein forms V771A.
Identifiers: ClinVar variation 235358 (VCV000235358.14), dbSNP rs374149626, ClinGen allele CA2554003.